The following is an entry in ClinVar:

ClinVar aggregate classification (germline): Uncertain significance (1 of 4 stars; one submission).

Conditions:
Pfeiffer syndrome (ACS5). Also called: ACS V. Identifiers: Orphanet 710, MedGen C0220658, MONDO:0007043, OMIM 101600.
Hypogonadotropic hypogonadism 2 with or without anosmia (HH2). Also called: FGFR1-Related GnRH Deficiency (Kallmann Syndrome 2); HYPOGONADOTROPIC HYPOGONADISM 2 WITHOUT ANOSMIA; HYPOGONADOTROPIC HYPOGONADISM 2 WITH OR WITHOUT ANOSMIA, SUSCEPTIBILITY TO; HYPOGONADOTROPIC HYPOGONADISM 2 WITHOUT ANOSMIA, SUSCEPTIBILITY TO. Identifiers: Orphanet 478, MedGen C1563720, MONDO:0007844, OMIM 147950. Disease mechanism: loss of function.

Submission:

Labcorp Genetics (formerly Invitae), Labcorp
Classification: Uncertain significance for Pfeiffer syndrome; Hypogonadotropic hypogonadism 2 with or without anosmia. Last evaluated: 2023-11-24. Review status: criteria provided, single submitter. Criteria: Invitae Variant Classification Sherloc (09022015). Collection method: clinical testing. Allele origin: germline.
Comment: This sequence change replaces leucine, which is neutral and non-polar, with arginine, which is basic and polar, at codon 644 of the FGFR1 protein (p.Leu644Arg). This variant is not present in population databases (gnomAD no frequency). This variant has not been reported in the literature in individuals affected with FGFR1-related conditions. Advanced modeling of protein sequence and biophysical properties (such as structural, functional, and spatial information, amino acid conservation, physicochemical variation, residue mobility, and thermodynamic stability) has been performed at Invitae for this missense variant, however the output from this modeling did not meet the statistical confidence thresholds required to predict the impact of this variant on FGFR1 protein function. In summary, the available evidence is currently insufficient to determine the role of this variant in disease. Therefore, it has been classified as a Variant of Uncertain Significance.

NM_023110.3(FGFR1):c.1931T>G (p.Leu644Arg)

Gene: FGFR1 (fibroblast growth factor receptor 1; minus strand). Cytogenetic location: 8p11.23.
Variant type: single nucleotide variant.
Coding change: c.1931T>G on transcript NM_023110.3 (MANE Select); coding-DNA position 1931, T replaced by G.
Protein change: p.Leu644Arg; replaces leucine 644 with arginine.
Molecular consequence: missense variant.
Genome position (GRCh38, 1-based): chr8:38,414,825, A>C on the plus strand (T>G on the coding strand, the complement: FGFR1 is on the minus strand). VCF-style: chr8-38414825-A-C. GRCh37 (hg19) VCF-style: chr8-38272343-A-C.
Other names: c.1901T>G, p.Leu634Arg (NM_001174064.2); c.1925T>G, p.Leu642Arg (NM_001174065.2, NM_001354367.2, NM_015850.4 and 1 more transcripts); c.1664T>G, p.Leu555Arg (NM_001174066.2, NM_023105.3); c.2024T>G, p.Leu675Arg (NM_001174067.2); c.1652T>G, p.Leu551Arg (NM_001354368.2); c.1919T>G, p.Leu640Arg (NM_001354369.2, NM_001410922.1); c.1658T>G, p.Leu553Arg (NM_001354370.2, NM_023106.3); c.1931T>G, p.Leu644Arg (NM_000604.2); short protein forms L555R, L634R, L553R, L640R, L644R, L675R, L551R, L642R.
Identifiers: ClinVar variation 2953080 (VCV002953080.3), dbSNP rs2150562033, ClinGen allele CA370730270.